The following is an entry in ClinVar:

ClinVar aggregate classification (germline): Likely benign (0 of 4 stars; one submission).

Conditions:
SLC9A9-related disorder. Also called: SLC9A9-related condition.

Allele frequency attached by ClinVar (database versions not stated): ExAC 0.00007; gnomAD 0.00007; ESP Exome Variant Server 0.00008; TOPMed 0.00009; 1000 Genomes Project 30x 0.00031; 1000 Genomes Project 0.00040.
gnomAD v4.1: 131 of 1,613,612 alleles (0.0081%); highest among the groups gnomAD compares: Non-Finnish European, 0.0099%; no homozygotes.

Submission:

PreventionGenetics, part of Exact Sciences
Classification: Likely benign for SLC9A9-related condition. Last evaluated: 2019-06-06. Review status: no assertion criteria provided. Collection method: clinical testing. Allele origin: germline.
Comment: This variant is classified as likely benign based on ACMG/AMP sequence variant interpretation guidelines (Richards et al. 2015 PMID: 25741868, with internal and published modifications).

NM_173653.4(SLC9A9):c.1674G>A (p.Pro558=)

Gene: SLC9A9 (solute carrier family 9 member A9; minus strand). Cytogenetic location: 3q24.
Variant type: single nucleotide variant.
Coding change: c.1674G>A on transcript NM_173653.4 (MANE Select); coding-DNA position 1674, G replaced by A.
Protein change: p.Pro558=; no amino-acid change (proline 558 retained).
Molecular consequence: synonymous variant.
Genome position (GRCh38, 1-based): chr3:143,268,911, C>T on the plus strand (G>A on the coding strand, the complement: SLC9A9 is on the minus strand). VCF-style: chr3-143268911-C-T. GRCh37 (hg19) VCF-style: chr3-142987753-C-T.
Identifiers: ClinVar variation 3039722 (VCV003039722.2), dbSNP rs148398960, ClinGen allele CA2653714.